The following is an entry in ClinVar:

NM_000540.3(RYR1):c.10941C>G (p.His3647Gln)

Gene: RYR1 (ryanodine receptor 1; plus strand). Cytogenetic location: 19q13.2.
Variant type: single nucleotide variant.
Coding change: c.10941C>G on transcript NM_000540.3 (MANE Select); coding-DNA position 10941, C replaced by G.
Protein change: p.His3647Gln; replaces histidine 3647 with glutamine.
Molecular consequence: missense variant.
Genome position (GRCh38, 1-based): chr19:38,528,602, C>G. VCF-style: chr19-38528602-C-G. GRCh37 (hg19) VCF-style: chr19-39019242-C-G.
Other names: c.10926C>G, p.His3642Gln (NM_001042723.2); short protein forms H3642Q.
Identifiers: ClinVar variation 93244 (VCV000093244.34), dbSNP rs114351116, ClinGen allele CA023875.

ClinVar aggregate classification (germline): Benign/Likely benign. Review status: criteria provided, multiple submitters, no conflicts (2 of 4 stars). 10 submissions from 10 submitters: Benign (6); Likely benign (4). Last evaluated 2026-08-01.

Conditions:
RYR1-related disorder. Also called: RYR1-related disorders; RYR1-related condition. Identifiers: MedGen CN239331.
Malignant hyperthermia, susceptibility to, 1 (MHS1). Also called: Malignant hyperthermia suceptibility 1; Anesthesia related hyperthermia; Malignant hyperpyrexia; Fulminating hyperpyrexia; Pharmacogenic myopathy; RYR1-Related Malignant Hyperthermia Susceptibility. Identifiers: Orphanet 423, MedGen C2930980, MONDO:0007783, OMIM 145600.

Allele frequency attached by ClinVar (database versions not stated): ExAC 0.00097; gnomAD exomes 0.00077; gnomAD 0.00326 and 0.00347; 1000 Genomes Project 0.00339; 1000 Genomes Project 30x 0.00359; ESP Exome Variant Server 0.00423; TOPMed 0.00363.
gnomAD v4.1: 972 of 1,614,130 alleles (0.06%); highest among the groups gnomAD compares: African/African-American, 1.2%; 3 homozygotes.

Submissions (10):

CeGaT Center for Human Genetics Tuebingen
Classification: Likely benign. Last evaluated: 2026-08-01. Review status: criteria provided, single submitter. Criteria: CeGaT Center For Human Genetics Tuebingen Variant Classification Criteria Version 2. Collection method: clinical testing. Allele origin: germline. Affected: yes. Observed: 4 variant alleles.
Comment: RYR1: BS1

Labcorp Genetics (formerly Invitae), Labcorp
Classification: Benign for RYR1-related disorder. Last evaluated: 2026-01-28. Review status: criteria provided, single submitter. Criteria: Invitae Variant Classification Sherloc (09022015). Collection method: clinical testing. Allele origin: germline.

Mayo Clinic Laboratories, Mayo Clinic
Classification: Likely benign. Last evaluated: 2025-01-22. Review status: criteria provided, single submitter. Criteria: ACMG Guidelines, 2015. Collection method: clinical testing. Allele origin: germline. Observed: 5 variant alleles.
Comment: BS1

All of Us Research Program, National Institutes of Health
Classification: Benign for Malignant hyperthermia, susceptibility to, 1. Last evaluated: 2024-09-27. Review status: criteria provided, single submitter. Criteria: ACMG Guidelines, 2015. Collection method: clinical testing. Allele origin: germline. Inheritance: Autosomal dominant inheritance. Observed: 250 variant alleles, 248 heterozygotes, 2 homozygotes.
Comment: This study involves interpretation of variants in research participants for the purpose of population health screening. Participant phenotype was not available at the time of variant classification. Additional details can be found in publication PMID: 35346344, PMCID: PMC8962531

Blueprint Genetics
Classification: Likely benign. Last evaluated: 2024-07-17. Review status: criteria provided, single submitter. Criteria: ACMG Guidelines, 2015. Collection method: clinical testing. Allele origin: germline.

Color Diagnostics, LLC DBA Color Health
Classification: Benign for Malignant hyperthermia, susceptibility to, 1. Last evaluated: 2022-08-18. Review status: criteria provided, single submitter. Criteria: ACMG Guidelines, 2015. Collection method: clinical testing. Allele origin: germline.

GeneDx
Classification: Benign. Last evaluated: 2021-03-02. Review status: criteria provided, single submitter. Criteria: GeneDx Variant Classification Process June 2021. Collection method: clinical testing. Allele origin: germline. Affected: yes.
Comment: This variant is associated with the following publications: (PMID: 30325262)

PreventionGenetics, part of Exact Sciences
Classification: Benign. Last evaluated: 2018-04-02. Review status: criteria provided, single submitter. Criteria: ACMG Guidelines, 2015. Collection method: clinical testing. Allele origin: germline.

Eurofins Ntd Llc (ga)
Classification: Benign. Last evaluated: 2013-07-31. Review status: criteria provided, single submitter. Criteria: EGL Classification Definitions 2015. Collection method: clinical testing. Allele origin: germline. Observed: 2 variant alleles, 2 heterozygotes.

Breakthrough Genomics
Classification: Likely benign. Review status: criteria provided, single submitter. Criteria: ACMG Guidelines, 2015. Collection method: not provided. Allele origin: germline. Inheritance: Autosomal recessive inheritance. Affected: yes.